The following is an entry in ClinVar:

NM_001267550.2(TTN):c.36043+4C>T

Gene: TTN (titin; minus strand). Cytogenetic location: 2q31.2.
Variant type: single nucleotide variant.
Coding change: c.36043+4C>T on transcript NM_001267550.2 (MANE Select); 4 bases into the intron after coding-DNA position 36043, C replaced by T.
Molecular consequence: intron variant.
Genome position (GRCh38, 1-based): chr2:178,665,373, G>A on the plus strand (C>T on the coding strand, the complement: TTN is on the minus strand). VCF-style: chr2-178665373-G-A. GRCh37 (hg19) VCF-style: chr2-179530100-G-A.
Other names: c.13283-23056C>T (NM_003319.4); c.13859-23056C>T (NM_133437.4); c.13658-23056C>T (NM_133432.3); c.31484-2318C>T (NM_133378.4); c.34265-2318C>T (NM_001256850.1).
Identifiers: ClinVar variation 535269 (VCV000535269.4), dbSNP rs370368656, ClinGen allele CA1997683.

ClinVar aggregate classification (germline): Conflicting classifications of pathogenicity. Review status: criteria provided, conflicting classifications (1 of 4 stars). 2 submissions from 2 submitters: Uncertain significance (1); Likely benign (1). Last evaluated 2025-12-10.

Conditions:
Dilated cardiomyopathy 1G (CMD1G). Identifiers: Orphanet 154, MedGen C1858763, MONDO:0011400, OMIM 604145.
Autosomal recessive limb-girdle muscular dystrophy type 2J (LGMDR10). Also called: MUSCULAR DYSTROPHY, LIMB-GIRDLE, AUTOSOMAL RECESSIVE 10; Limb-girdle muscular dystrophy, type 2J. Identifiers: Orphanet 140922, MedGen C1837342, MONDO:0012127, OMIM 608807.
TTN-related disorder. Also called: TTN-related condition; TTN-related disease; TTN-related disorders.

Allele frequency attached by ClinVar (database versions not stated): gnomAD 0.00002; TOPMed 0.00002; gnomAD exomes 0.00003 and 0.00004; ESP Exome Variant Server 0.00017; ExAC 0.00002.
gnomAD v4.1: 44 of 1,611,466 alleles (0.0027%); highest among the groups gnomAD compares: Middle Eastern, 0.033%; no homozygotes.

Submissions (2):

PreventionGenetics, part of Exact Sciences
Classification: Likely benign for TTN-related condition. Last evaluated: 2025-12-10. Review status: criteria provided, single submitter. Criteria: ACMG Guidelines, 2015. Collection method: clinical testing. Allele origin: germline.
Comment: This variant is classified as likely benign based on ACMG/AMP sequence variant interpretation guidelines (Richards et al. 2015 PMID: 25741868, with internal and published modifications).

Labcorp Genetics (formerly Invitae), Labcorp
Classification: Uncertain significance for Dilated cardiomyopathy 1G; Autosomal recessive limb-girdle muscular dystrophy type 2J. Last evaluated: 2017-09-29. Review status: criteria provided, single submitter. Criteria: Invitae Variant Classification Sherloc (09022015). Collection method: clinical testing. Allele origin: germline.